The following is an entry in ClinVar:

ClinVar aggregate classification (germline): Likely pathogenic (1 of 4 stars; one submission).

Conditions:
X-linked agammaglobulinemia with growth hormone deficiency (IGHD3). Also called: FLEISHER SYNDROME; HYPOGAMMAGLOBULINEMIA AND ISOLATED GROWTH HORMONE DEFICIENCY, X-LINKED; IGHD III; AGAMMAGLOBULINEMIA AND ISOLATED GROWTH HORMONE DEFICIENCY, X-LINKED; Isolated growth hormone deficiency type 3; Growth hormone deficiency with hypogammaglobulinemia. Identifiers: Orphanet 231692, Orphanet 631, MedGen C0472813, MONDO:0010615, OMIM 307200.

Allele frequency attached by ClinVar (database versions not stated): gnomAD exomes below 0.00001.
gnomAD v4.1: 1 of 1,202,087 alleles (0.000083%); highest among the groups gnomAD compares: Non-Finnish European, 0.00011%; no homozygotes.

Submission:

Labcorp Genetics (formerly Invitae), Labcorp
Classification: Likely pathogenic for X-linked agammaglobulinemia with growth hormone deficiency. Last evaluated: 2022-06-19. Review status: criteria provided, single submitter. Criteria: Invitae Variant Classification Sherloc (09022015). Collection method: clinical testing. Allele origin: germline.
Comment: In summary, the currently available evidence indicates that the variant is pathogenic, but additional data are needed to prove that conclusively. Therefore, this variant has been classified as Likely Pathogenic. This sequence change replaces alanine, which is neutral and non-polar, with valine, which is neutral and non-polar, at codon 582 of the BTK protein (p.Ala582Val). This variant is not present in population databases (gnomAD no frequency). This missense change has been observed in individuals with X-linked agammaglobulinemia (PMID: 7711734, 11742281). Advanced modeling of protein sequence and biophysical properties (such as structural, functional, and spatial information, amino acid conservation, physicochemical variation, residue mobility, and thermodynamic stability) performed at Invitae indicates that this missense variant is expected to disrupt BTK protein function. This variant disrupts the p.Ala582 amino acid residue in BTK. Other variant(s) that disrupt this residue have been observed in individuals with BTK-related conditions (PMID: 19904586), which suggests that this may be a clinically significant amino acid residue.

Literature cited by the submitters: PubMed 7711734; PubMed 11742281; PubMed 19904586.

NM_000061.3(BTK):c.1745C>T (p.Ala582Val)

Gene: BTK (Bruton tyrosine kinase; minus strand). Cytogenetic location: Xq22.1.
Variant type: single nucleotide variant.
Coding change: c.1745C>T on transcript NM_000061.3 (MANE Select); coding-DNA position 1745, C replaced by T.
Protein change: p.Ala582Val; replaces alanine 582 with valine.
Molecular consequence: missense variant.
Genome position (GRCh38, 1-based): chrX:101,353,875, G>A on the plus strand (C>T on the coding strand, the complement: BTK is on the minus strand). VCF-style: chrX-101353875-G-A. GRCh37 (hg19) VCF-style: chrX-100608863-G-A.
Other names: c.1847C>T, p.Ala616Val (NM_001287344.2); c.1217C>T, p.Ala406Val (NM_001287345.2); short protein forms A406V, A616V, A582V.
Identifiers: ClinVar variation 2138640 (VCV002138640.4), dbSNP rs2520533213, ClinGen allele CA413919893.